The following is an entry in ClinVar:

ClinVar aggregate classification (germline): Pathogenic (1 of 4 stars; one submission).

Allele frequency attached by ClinVar (database versions not stated): TOPMed below 0.00001; gnomAD 0.00001.
gnomAD v4.1: 1 of 1,603,348 alleles (0.000062%); highest among the groups gnomAD compares: African/African-American, 0.0013%; no homozygotes.

Submission:

Labcorp Genetics (formerly Invitae), Labcorp
Classification: Pathogenic. Last evaluated: 2023-02-11. Review status: criteria provided, single submitter. Criteria: Invitae Variant Classification Sherloc (09022015). Collection method: clinical testing. Allele origin: germline.
Comment: This sequence change creates a premature translational stop signal (p.Glu69*) in the NPHS2 gene. It is expected to result in an absent or disrupted protein product. Loss-of-function variants in NPHS2 are known to be pathogenic (PMID: 10742096, 14701729, 15253708, 23595123). This variant is present in population databases (no rsID available, gnomAD 0.007%). This variant has not been reported in the literature in individuals affected with NPHS2-related conditions. For these reasons, this variant has been classified as Pathogenic.

Literature cited by the submitters: PubMed 10742096; PubMed 14701729; PubMed 15253708; PubMed 23595123.

NM_014625.4(NPHS2):c.205G>T (p.Glu69Ter)

Gene: NPHS2 (NPHS2 stomatin family member, podocin; minus strand). Cytogenetic location: 1q25.2.
Variant type: single nucleotide variant.
Coding change: c.205G>T on transcript NM_014625.4 (MANE Select); coding-DNA position 205, G replaced by T.
Protein change: p.Glu69Ter; replaces glutamic acid 69 with a stop codon.
Molecular consequence: nonsense.
Genome position (GRCh38, 1-based): chr1:179,575,660, C>A on the plus strand (G>T on the coding strand, the complement: NPHS2 is on the minus strand). VCF-style: chr1-179575660-C-A. GRCh37 (hg19) VCF-style: chr1-179544795-C-A.
Other names: c.205G>T, p.Glu69Ter (NM_001297575.2); short protein forms E69*.
Identifiers: ClinVar variation 2836227 (VCV002836227.3), dbSNP rs1434578927, ClinGen allele CA343553001.